The following is an entry in ClinVar:

ClinVar aggregate classification (germline): Uncertain significance (1 of 4 stars; one submission).

Conditions:
Cardiovascular phenotype. Identifiers: MedGen CN230736.

gnomAD v4.1: 7 of 1,563,114 alleles (0.00045%); highest among the groups gnomAD compares: Non-Finnish European, 0.00061%; no homozygotes.

Submission:

Ambry Genetics
Classification: Uncertain significance for Cardiovascular phenotype. Last evaluated: 2026-09-06. Review status: criteria provided, single submitter. Criteria: Ambry Variant Classification Scheme 2023. Collection method: clinical testing. Allele origin: germline.
Comment: The p.T937I variant (also known as c.2810C>T), located in coding exon 6 of the TNXB gene, results from a C to T substitution at nucleotide position 2810. The threonine at codon 937 is replaced by isoleucine, an amino acid with similar properties. This amino acid position is conserved. In addition, this alteration is predicted to be tolerated by in silico analysis. Based on the available evidence, the clinical significance of this variant remains unclear.

NM_001365276.2(TNXB):c.2810C>T (p.Thr937Ile)

Gene: TNXB (tenascin XB; minus strand). Cytogenetic location: 6p21.33.
Variant type: single nucleotide variant.
Coding change: c.2810C>T on transcript NM_001365276.2 (MANE Select); coding-DNA position 2810, C replaced by T.
Protein change: p.Thr937Ile; replaces threonine 937 with isoleucine.
Molecular consequence: missense variant.
Genome position (GRCh38, 1-based): chr6:32,086,088, G>A on the plus strand (C>T on the coding strand, the complement: TNXB is on the minus strand). VCF-style: chr6-32086088-G-A. GRCh37 (hg19) VCF-style: chr6-32053865-G-A.
Other names: c.3551C>T, p.Thr1184Ile (NM_001428335.1); c.2810C>T, p.Thr937Ile (NM_019105.8); short protein forms T1184I, T937I.
Identifiers: ClinVar variation 5031050 (VCV005031050.1).
Genomic context (GRCh38, chr6:32,086,088, plus strand): 5'-TGCAGGAGAGGAGCCTGGGCCCCTTGCGTCGTCGAGGGGCCTGAGGGAGGAGGCTCATCG[G>A]TAGTCCCCAAGAGGCCCAAGGGTGAGGACCCTGGGAAGGGGCAGGGTGAGAAAAAGAGGA-3'
Protein context (NP_001352205.1, residues 927-947): GSSPLGLLGT[Thr937Ile]DEPPPSGPST